The following is an entry in ClinVar:

NM_001379081.2(FREM1):c.4616C>T (p.Ala1539Val)

Gene: FREM1 (FRAS1 related extracellular matrix 1; minus strand). Cytogenetic location: 9p22.3.
Variant type: single nucleotide variant.
Coding change: c.4616C>T on transcript NM_001379081.2 (MANE Select); coding-DNA position 4616, C replaced by T.
Protein change: p.Ala1539Val; replaces alanine 1539 with valine.
Molecular consequence: missense variant. On other transcripts: non-coding transcript variant (2).
Genome position (GRCh38, 1-based): chr9:14,776,030, G>A on the plus strand (C>T on the coding strand, the complement: FREM1 is on the minus strand). VCF-style: chr9-14776030-G-A. GRCh37 (hg19) VCF-style: chr9-14776028-G-A.
Other names: c.224C>T, p.Ala75Val (NM_001177704.3, NM_001370058.2, NM_001370061.2); c.4616C>T, p.Ala1539Val (NM_144966.7); c.4616C>T (NM_144966.5); short protein forms A75V, A1539V.
Identifiers: ClinVar variation 1489098 (VCV001489098.5), dbSNP rs753002186, ClinGen allele CA4990116.
Genomic context (GRCh38, chr9:14,776,030, plus strand): 5'-CCCCACAGGTAGAGCTGGCCATGCTGGGGGAGCTGAACCAAGAGGAAGGTGAGGTTCTCC[G>A]CAGGTGTATCAGGGTCGGTCAGCTGAAGGAGGTCAGGGGAAAGCAGGCCCACGGCCCCTT-3'
Protein context (NP_001366010.1, residues 1529-1549): LLQLTDPDTP[Ala1539Val]ENLTFLLVQL

ClinVar aggregate classification (germline): Uncertain significance. Review status: criteria provided, multiple submitters, no conflicts (2 of 4 stars). 2 submissions from 2 submitters: Uncertain significance (2). Last evaluated 2023-11-28.

Conditions:
Inborn genetic diseases. Identifiers: MedGen C0950123, MeSH D030342.

Allele frequency attached by ClinVar (database versions not stated): gnomAD 0.00001; gnomAD exomes 0.00002 and 0.00009; ExAC 0.00006; TOPMed 0.00006.
gnomAD v4.1: 37 of 1,613,892 alleles (0.0023%); highest among the groups gnomAD compares: Admixed American, 0.038%; 1 homozygote.

Submissions (2):

Labcorp Genetics (formerly Invitae), Labcorp
Classification: Uncertain significance. Last evaluated: 2023-11-28. Review status: criteria provided, single submitter. Criteria: Invitae Variant Classification Sherloc (09022015). Collection method: clinical testing. Allele origin: germline.
Comment: This sequence change replaces alanine, which is neutral and non-polar, with valine, which is neutral and non-polar, at codon 1539 of the FREM1 protein (p.Ala1539Val). This variant is present in population databases (rs753002186, gnomAD 0.06%). This variant has not been reported in the literature in individuals affected with FREM1-related conditions. ClinVar contains an entry for this variant (Variation ID: 1489098). Advanced modeling of protein sequence and biophysical properties (such as structural, functional, and spatial information, amino acid conservation, physicochemical variation, residue mobility, and thermodynamic stability) performed at Invitae indicates that this missense variant is not expected to disrupt FREM1 protein function with a negative predictive value of 80%. In summary, the available evidence is currently insufficient to determine the role of this variant in disease. Therefore, it has been classified as a Variant of Uncertain Significance.

Ambry Genetics
Classification: Uncertain significance for Inborn genetic diseases. Last evaluated: 2021-09-17. Review status: criteria provided, single submitter. Criteria: Ambry Variant Classification Scheme 2023. Collection method: clinical testing. Allele origin: germline.